The following is an entry in ClinVar:

ClinVar aggregate classification (germline): Uncertain significance. Review status: criteria provided, multiple submitters, no conflicts (2 of 4 stars). 3 submissions from 3 submitters: Uncertain significance (3). Last evaluated 2025-09-01.

Conditions:
Agammaglobulinemia 7, autosomal recessive (AGM7). Also called: AGAMMAGLOBULINEMIA, AUTOSOMAL RECESSIVE, DUE TO PIK3R1 DEFECT. Identifiers: MedGen C3554689, MONDO:0014083, OMIM 615214.
Immunodeficiency 36 with lymphoproliferation. Also called: Activated PI3K Delta Syndrome Type 2 (APDS2); ACTIVATED PI3K-DELTA SYNDROME 2; Immunodeficiency 36. Identifiers: Orphanet 397596, Orphanet 693681, MedGen C4014934, MONDO:0014453, OMIM 616005.
SHORT syndrome. Also called: LIPODYSTROPHY, PARTIAL, WITH RIEGER ANOMALY AND SHORT STATURE; PIK3R1-Related SHORT Syndrome; SHORT STATURE, HYPEREXTENSIBILITY, HERNIA, OCULAR DEPRESSION, RIEGER ANOMALY, AND TEETHING DELAY. Identifiers: Orphanet 3163, MedGen C0878684, MONDO:0010026, OMIM 269880.

Allele frequency attached by ClinVar (database versions not stated): gnomAD 0.00004 and 0.00005; TOPMed 0.00005; ExAC 0.00006; gnomAD exomes 0.00008.
gnomAD v4.1: 99 of 1,613,912 alleles (0.0061%); highest among the groups gnomAD compares: South Asian, 0.018%; 1 homozygote.

Submissions (3):

Labcorp Genetics (formerly Invitae), Labcorp
Classification: Uncertain significance for SHORT syndrome; Immunodeficiency 36 with lymphoproliferation; Agammaglobulinemia 7, autosomal recessive. Last evaluated: 2025-09-01. Review status: criteria provided, single submitter. Criteria: Invitae Variant Classification Sherloc (09022015). Collection method: clinical testing. Allele origin: germline.
Comment: This sequence change replaces proline, which is neutral and non-polar, with leucine, which is neutral and non-polar, at codon 116 of the PIK3R1 protein (p.Pro116Leu). This variant is present in population databases (rs774531250, gnomAD 0.02%). This variant has not been reported in the literature in individuals affected with PIK3R1-related conditions. ClinVar contains an entry for this variant (Variation ID: 855460). Invitae Evidence Modeling of protein sequence and biophysical properties (such as structural, functional, and spatial information, amino acid conservation, physicochemical variation, residue mobility, and thermodynamic stability) indicates that this missense variant is not expected to disrupt PIK3R1 protein function with a negative predictive value of 80%. In summary, the available evidence is currently insufficient to determine the role of this variant in disease. Therefore, it has been classified as a Variant of Uncertain Significance.

Blueprint Genetics
Classification: Uncertain significance. Last evaluated: 2024-11-07. Review status: criteria provided, single submitter. Criteria: ACMG Guidelines, 2015. Collection method: clinical testing. Allele origin: germline.

Department of Human Genetics, Hannover Medical School
Classification: Uncertain significance for Agammaglobulinemia 7, autosomal recessive. Last evaluated: 2023-08-10. Review status: criteria provided, single submitter. Criteria: ACMG Guidelines, 2015. Collection method: clinical testing. Allele origin: germline. Affected: yes.

NM_181523.3(PIK3R1):c.347C>T (p.Pro116Leu)

Gene: PIK3R1 (phosphoinositide-3-kinase regulatory subunit 1; plus strand). Cytogenetic location: 5q13.1.
Variant type: single nucleotide variant.
Coding change: c.347C>T on transcript NM_181523.3 (MANE Select); coding-DNA position 347, C replaced by T.
Protein change: p.Pro116Leu; replaces proline 116 with leucine.
Molecular consequence: missense variant.
Genome position (GRCh38, 1-based): chr5:68,273,402, C>T. VCF-style: chr5-68273402-C-T. GRCh37 (hg19) VCF-style: chr5-67569230-C-T.
Other names: short protein forms P116L.
Identifiers: ClinVar variation 855460 (VCV000855460.12), dbSNP rs774531250, ClinGen allele CA3289999.